The following is an entry in ClinVar:

ClinVar aggregate classification (germline): Uncertain significance. Review status: criteria provided, multiple submitters, no conflicts (2 of 4 stars). 4 submissions from 4 submitters: Uncertain significance (4). Last evaluated 2025-07-15.

Conditions:
Nephrolithiasis/nephrocalcinosis. Identifiers: MedGen CN580796.
Familial hypocalciuric hypercalcemia (FHH). Also called: Familial benign hypercalcemia. Identifiers: Orphanet 405, MedGen C1809471, MONDO:0018458.
Autosomal dominant hypocalcemia 1 (HYPOC1). Also called: HYPOCALCEMIA, FAMILIAL. Identifiers: MedGen C3715128, MONDO:0011013, OMIM 601198.

Allele frequency attached by ClinVar (database versions not stated): gnomAD 0.00001; TOPMed 0.00002; ESP Exome Variant Server 0.00008; gnomAD exomes below 0.00001; ExAC 0.00001.

Submissions (4):

Women's Health and Genetics/Laboratory Corporation of America, LabCorp
Classification: Uncertain significance. Last evaluated: 2025-07-15. Review status: criteria provided, single submitter. Criteria: LabCorp Variant Classification Summary - May 2015. Collection method: clinical testing. Allele origin: germline.
Comment: Variant summary: CASR c.1412A>T (p.Asn471Ile) results in a non-conservative amino acid change in the encoded protein sequence. Algorithms developed to predict the effect of missense changes on protein structure and function are either unavailable or do not agree on the potential impact of this missense change. The variant allele was found at a frequency of 4e-06 in 251436 control chromosomes. The available data on variant occurrences in the general population are insufficient to allow any conclusion about variant significance. To our knowledge, no occurrence of c.1412A>T in individuals affected with Autosomal Dominant Hypocalcemia and no experimental evidence demonstrating its impact on protein function have been reported. ClinVar contains an entry for this variant (Variation ID: 566997). Based on the evidence outlined above, the variant was classified as uncertain significance.

Labcorp Genetics (formerly Invitae), Labcorp
Classification: Uncertain significance for Familial hypocalciuric hypercalcemia; Autosomal dominant hypocalcemia 1. Last evaluated: 2023-11-02. Review status: criteria provided, single submitter. Criteria: Invitae Variant Classification Sherloc (09022015). Collection method: clinical testing. Allele origin: germline.
Comment: This sequence change replaces asparagine, which is neutral and polar, with isoleucine, which is neutral and non-polar, at codon 471 of the CASR protein (p.Asn471Ile). This variant is present in population databases (rs145042469, gnomAD 0.002%). This variant has not been reported in the literature in individuals affected with CASR-related conditions. ClinVar contains an entry for this variant (Variation ID: 566997). An algorithm developed to predict the effect of missense changes on protein structure and function (PolyPhen-2) suggests that this variant is likely to be tolerated. In summary, the available evidence is currently insufficient to determine the role of this variant in disease. Therefore, it has been classified as a Variant of Uncertain Significance.

Ambry Genetics
Classification: Uncertain significance for Nephrolithiasis/nephrocalcinosis. Last evaluated: 2023-09-05. Review status: criteria provided, single submitter. Criteria: Ambry Variant Classification Scheme 2023. Collection method: clinical testing. Allele origin: germline.
Comment: The p.N471I variant (also known as c.1412A>T), located in coding exon 4 of the CASR gene, results from an A to T substitution at nucleotide position 1412. The asparagine at codon 471 is replaced by isoleucine, an amino acid with dissimilar properties. This amino acid position is well conserved in available vertebrate species. In addition, the in silico prediction for this alteration is inconclusive. Since supporting evidence is limited at this time, the clinical significance of this alteration remains unclear.

GeneDx
Classification: Uncertain significance. Last evaluated: 2019-12-09. Review status: criteria provided, single submitter. Criteria: GeneDx Variant Classification Process June 2021. Collection method: clinical testing. Allele origin: germline. Affected: yes.
Comment: Not observed at a significant frequency in large population cohorts (Lek et al., 2016); In silico analysis, which includes protein predictors and evolutionary conservation, supports a deleterious effect; Has not been previously published as pathogenic or benign to our knowledge

NM_000388.4(CASR):c.1412A>T (p.Asn471Ile)

Gene: CASR (calcium sensing receptor; plus strand). Cytogenetic location: 3q21.1.
Variant type: single nucleotide variant.
Coding change: c.1412A>T on transcript NM_000388.4 (MANE Select); coding-DNA position 1412, A replaced by T.
Protein change: p.Asn471Ile; replaces asparagine 471 with isoleucine.
Molecular consequence: missense variant.
Genome position (GRCh38, 1-based): chr3:122,275,846, A>T. VCF-style: chr3-122275846-A-T. GRCh37 (hg19) VCF-style: chr3-121994693-A-T.
Other names: c.1412A>T, p.Asn471Ile (NM_001178065.2); short protein forms N471I.
Identifiers: ClinVar variation 566997 (VCV000566997.16), dbSNP rs145042469, ClinGen allele CA2569655.